The following is an entry in ClinVar:

NM_017654.4(SAMD9):c.809A>G (p.Lys270Arg)

Gene: SAMD9 (sterile alpha motif domain containing 9; minus strand). Cytogenetic location: 7q21.2.
Variant type: single nucleotide variant.
Coding change: c.809A>G on transcript NM_017654.4 (MANE Select); coding-DNA position 809, A replaced by G.
Protein change: p.Lys270Arg; replaces lysine 270 with arginine.
Molecular consequence: missense variant.
Genome position (GRCh38, 1-based): chr7:93,105,289, T>C on the plus strand (A>G on the coding strand, the complement: SAMD9 is on the minus strand). VCF-style: chr7-93105289-T-C. GRCh37 (hg19) VCF-style: chr7-92734602-T-C.
Other names: c.809A>G, p.Lys270Arg (NM_001193307.2); short protein forms K270R.
Identifiers: ClinVar variation 3636752 (VCV003636752.2).
Genomic context (GRCh38, chr7:93,105,289, plus strand): 5'-ACAAATCTTGGCTCTCGAATGCACTTCTTTGCTTGTTGGACTTGATGGTCTTCAAAATAC[T>C]TGTTTATCATCAGATTGAAATGGTTAATGAGGGCTTCCTTGGTATCATTGGTGACTTTGA-3'
Protein context (NP_060124.2, residues 260-280): LINHFNLMIN[Lys270Arg]YFEDHQVQQA

ClinVar aggregate classification (germline): Uncertain significance (1 of 4 stars; one submission).

Submission:

Labcorp Genetics (formerly Invitae), Labcorp
Classification: Uncertain significance. Last evaluated: 2024-03-30. Review status: criteria provided, single submitter. Criteria: Invitae Variant Classification Sherloc (09022015). Collection method: clinical testing. Allele origin: germline.
Comment: This sequence change replaces lysine, which is basic and polar, with arginine, which is basic and polar, at codon 270 of the SAMD9 protein (p.Lys270Arg). This variant is not present in population databases (gnomAD no frequency). This variant has not been reported in the literature in individuals affected with SAMD9-related conditions. Advanced modeling of protein sequence and biophysical properties (such as structural, functional, and spatial information, amino acid conservation, physicochemical variation, residue mobility, and thermodynamic stability) performed at Invitae indicates that this missense variant is not expected to disrupt SAMD9 protein function with a negative predictive value of 95%. In summary, the available evidence is currently insufficient to determine the role of this variant in disease. Therefore, it has been classified as a Variant of Uncertain Significance.